The following is an entry in ClinVar:

NM_005228.5(EGFR):c.2292C>T (p.Tyr764=)

Genes: EGFR-AS1 (EGFR antisense RNA 1; minus strand), EGFR (epidermal growth factor receptor; plus strand). Cytogenetic location: 7p11.2.
Variant type: single nucleotide variant.
Coding change: c.2292C>T on transcript NM_005228.5 (MANE Select); coding-DNA position 2292, C replaced by T.
Protein change: p.Tyr764=; no amino-acid change (tyrosine 764 retained).
Molecular consequence: synonymous variant. On other transcripts: non-coding transcript variant (1).
Genome position (GRCh38, 1-based): chr7:55,181,301, C>T. VCF-style: chr7-55181301-C-T. GRCh37 (hg19) VCF-style: chr7-55248994-C-T.
Other names: c.2157C>T, p.Tyr719= (NM_001346897.2, NM_001346899.2); c.2292C>T, p.Tyr764= (NM_001346898.2); c.2133C>T, p.Tyr711= (NM_001346900.2); c.1491C>T, p.Tyr497= (NM_001346941.2); c.2292C>T (NM_005228.3).
Identifiers: ClinVar variation 1147659 (VCV001147659.11), dbSNP rs755011268, ClinGen allele CA4266047.

ClinVar aggregate classification (germline): Benign/Likely benign. Review status: criteria provided, multiple submitters, no conflicts (2 of 4 stars). 3 submissions from 3 submitters: Benign (1); Likely benign (2). Last evaluated 2026-01-26.

Conditions:
Hereditary cancer-predisposing syndrome. Also called: Hereditary neoplastic syndrome; Neoplastic Syndromes, Hereditary; Tumor predisposition; Hereditary Cancer Syndrome. Identifiers: Orphanet 140162, MedGen C0027672, MeSH D009386, MONDO:0015356.
Lung cancer. Also called: Lung cancer, somatic; Malignant tumor of lung. Identifiers: MedGen C0242379, MONDO:0008903, OMIM 211980.
EGFR-related lung cancer (EGFR). Identifiers: MedGen CN130014.

Allele frequency attached by ClinVar (database versions not stated): gnomAD 0.00001; gnomAD exomes 0.00001 and 0.00005; ExAC 0.00004.
gnomAD v4.1: 21 of 1,614,084 alleles (0.0013%); highest among the groups gnomAD compares: East Asian, 0.022%; no homozygotes.

Submissions (3):

Labcorp Genetics (formerly Invitae), Labcorp
Classification: Likely benign for EGFR-related lung cancer. Last evaluated: 2026-01-26. Review status: criteria provided, single submitter. Criteria: Invitae Variant Classification Sherloc (09022015). Collection method: clinical testing. Allele origin: germline.

Myriad Genetics, Inc.
Classification: Benign for Lung cancer. Last evaluated: 2024-10-16. Review status: criteria provided, single submitter. Criteria: Myriad Autosomal Dominant, Autosomal Recessive and X-Linked Classification Criteria (2023). Collection method: clinical testing. Allele origin: unknown.
Comment: This variant is considered benign. This variant is a silent/synonymous amino acid change and it is not expected to impact splicing.

Ambry Genetics
Classification: Likely benign for Hereditary cancer-predisposing syndrome. Last evaluated: 2024-03-09. Review status: criteria provided, single submitter. Criteria: Ambry Variant Classification Scheme 2023. Collection method: clinical testing. Allele origin: germline.